The following is an entry in ClinVar:

NM_032119.4(ADGRV1):c.771G>T (p.Lys257Asn)

Gene: ADGRV1 (adhesion G protein-coupled receptor V1; plus strand). Cytogenetic location: 5q14.3.
Variant type: single nucleotide variant.
Coding change: c.771G>T on transcript NM_032119.4 (MANE Select); coding-DNA position 771, G replaced by T.
Protein change: p.Lys257Asn; replaces lysine 257 with asparagine.
Molecular consequence: missense variant. On other transcripts: non-coding transcript variant (1).
Genome position (GRCh38, 1-based): chr5:90,627,309, G>T. VCF-style: chr5-90627309-G-T. GRCh37 (hg19) VCF-style: chr5-89923126-G-T.
Other names: short protein forms K257N.
Identifiers: ClinVar variation 1481604 (VCV001481604.4), dbSNP rs1764895257, ClinGen allele CA360365744.

ClinVar aggregate classification (germline): Uncertain significance. Review status: criteria provided, multiple submitters, no conflicts (2 of 4 stars). 2 submissions from 2 submitters: Uncertain significance (2). Last evaluated 2023-12-19.

Allele frequency attached by ClinVar (database versions not stated): gnomAD exomes below 0.00001; TOPMed below 0.00001.
gnomAD v4.1: 7 of 1,612,168 alleles (0.00043%); highest among the groups gnomAD compares: Admixed American, 0.0017%; no homozygotes.

Submissions (2):

Blueprint Genetics
Classification: Uncertain significance. Last evaluated: 2023-12-19. Review status: criteria provided, single submitter. Criteria: ACMG Guidelines, 2015. Collection method: clinical testing. Allele origin: germline.

Labcorp Genetics (formerly Invitae), Labcorp
Classification: Uncertain significance. Last evaluated: 2022-09-13. Review status: criteria provided, single submitter. Criteria: Invitae Variant Classification Sherloc (09022015). Collection method: clinical testing. Allele origin: germline.
Comment: This sequence change replaces lysine, which is basic and polar, with asparagine, which is neutral and polar, at codon 257 of the ADGRV1 protein (p.Lys257Asn). This variant is not present in population databases (gnomAD no frequency). This variant has not been reported in the literature in individuals affected with ADGRV1-related conditions. ClinVar contains an entry for this variant (Variation ID: 1481604). Advanced modeling of protein sequence and biophysical properties (such as structural, functional, and spatial information, amino acid conservation, physicochemical variation, residue mobility, and thermodynamic stability) performed at Invitae indicates that this missense variant is not expected to disrupt ADGRV1 protein function. In summary, the available evidence is currently insufficient to determine the role of this variant in disease. Therefore, it has been classified as a Variant of Uncertain Significance.